The following is an entry in ClinVar:

NM_015001.3(SPEN):c.5414del (p.Asp1804_Leu1805insTer)

Gene: SPEN (spen family transcriptional repressor; plus strand). Cytogenetic location: 1p36.13.
Variant type: Deletion.
Coding change: c.5414del on transcript NM_015001.3 (MANE Select); coding-DNA position 5414, one base deleted (T; older notation c.5414delT).
Protein change: p.Asp1804_Leu1805insTer.
Molecular consequence: nonsense.
Genome position (GRCh38, 1-based): chr1:15,931,654, T deleted; the last of 3 consecutive T bases (chr1:15,931,652-15,931,654); deleting any one gives the same sequence. VCF-style (leftmost placement, unchanged base first): chr1-15931651-AT-A. GRCh37 (hg19) VCF-style: chr1-16258146-AT-A.
Identifiers: ClinVar variation 4530810 (VCV004530810.1).
Genomic context (GRCh38, chr1:15,931,651, plus strand): 5'-AGCCTGATGCAAACCAGAAAGCCGAAGCTGCTCCTGAGTCTCAGCCCCCAGCTTCTGAAG[AT>A]TTAGAGGTTGATCCTCCAGTTGCTGCAAAGGATAAAAAGCCAAACAAAAGCAAGCGTTCA-3'

ClinVar aggregate classification (germline): Pathogenic (1 of 4 stars; one submission).

Submission:

GeneDx
Classification: Pathogenic. Last evaluated: 2025-05-23. Review status: criteria provided, single submitter. Criteria: GeneDx Variant Classification Process June 2021. Collection method: clinical testing. Allele origin: germline. Affected: yes.
Comment: Nonsense variant predicted to result in protein truncation or nonsense mediated decay in a gene for which loss of function is a known mechanism of disease; Not observed at significant frequency in large population cohorts (gnomAD); This variant is associated with the following publications: (PMID: 33057194, 35982159, 33596411)